The following is an entry in ClinVar:

ClinVar aggregate classification (germline): Conflicting classifications of pathogenicity. Review status: criteria provided, conflicting classifications (1 of 4 stars). 3 submissions from 3 submitters: Likely pathogenic (2); Uncertain significance (1). Last evaluated 2026-03-27.

Conditions:
Alport syndrome. Also called: Hemorrhagic familial nephritis; Hemorrhagic hereditary nephritis; Congenital hereditary hematuria. Identifiers: Orphanet 63, MedGen C1567741, MONDO:0018965.
Hematuria, benign familial, 2 (BFH2). Identifiers: MedGen C5830421, MONDO:0958186, OMIM 620320.
Alport syndrome 3b, autosomal recessive. Identifiers: MedGen C5882699, MONDO:0957811, OMIM 620536.
Autosomal dominant Alport syndrome (ATS3A). Also called: ALPORT SYNDROME 3A, AUTOSOMAL DOMINANT; Alport syndrome dominant type; Renal failure and sensorineural hearing loss. Identifiers: Orphanet 63, Orphanet 88918, MedGen C5882663, MONDO:0007086, OMIM 104200.

gnomAD v4.1: 2 of 1,614,086 alleles (0.00012%); highest among the groups gnomAD compares: Non-Finnish European, 0.00017%; no homozygotes.

Submissions (3):

Myriad Genetics, Inc.
Classification: Uncertain significance for Alport syndrome. Last evaluated: 2026-03-27. Review status: criteria provided, single submitter. Criteria: Myriad Autosomal Dominant, Autosomal Recessive and X-Linked Classification Criteria (2023). Collection method: clinical testing. Allele origin: unknown.
Comment: NM_000091.4(COL4A3):c.2765G>A(G922E) is a missense variant classified as a variant of uncertain significance in the context of Alport syndrome, COL4A3-related. G922E has been observed in a case with relevant disease (PMID: 33330536). Relevant functional assessments of this variant are not available in the literature. G922E has not been observed in referenced population frequency databases. In summary, there is insufficient evidence to classify NM_000091.4(COL4A3):c.2765G>A(G922E) as pathogenic or benign. Please note: this variant was assessed in the context of healthy population screening.

Natera, Inc.
Classification: Likely pathogenic for Alport syndrome. Last evaluated: 2025-08-20. Review status: criteria provided, single submitter. Criteria: Natera Variant Classification Schema (03/2026). Collection method: clinical testing. Allele origin: germline.
Comment: The c.2765G>A variant in COL4A3 is a missense variant predicted to cause substitution of glycine to glutamic acid at amino acid 922. This variant is rare in the general population with a frequency below the threshold expected for the associated phenotype(s). This variant is located in a functionally critical region of the protein. Computational prediction algorithms indicate this variant is likely to affect gene or protein function. Given the available evidence, this variant is classified as Likely Pathogenic.

Fulgent Genetics
Classification: Likely pathogenic for Autosomal dominant Alport syndrome; Hematuria, benign familial, 2; Alport syndrome 3b, autosomal recessive. Last evaluated: 2024-01-19. Review status: criteria provided, single submitter. Criteria: ACMG Guidelines, 2015. Collection method: clinical testing. Allele origin: germline.

Literature cited by the submitters: PubMed 33330536 (cited by Myriad Genetics, Inc.).

NM_000091.5(COL4A3):c.2765G>A (p.Gly922Glu)

Genes: COL4A3 (collagen type IV alpha 3 chain; plus strand), MFF-DT (MFF divergent transcript; minus strand). Cytogenetic location: 2q36.3.
Variant type: single nucleotide variant.
Coding change: c.2765G>A on transcript NM_000091.5 (MANE Select); coding-DNA position 2765, G replaced by A.
Protein change: p.Gly922Glu; replaces glycine 922 with glutamic acid.
Molecular consequence: missense variant.
Genome position (GRCh38, 1-based): chr2:227,284,229, G>A. VCF-style: chr2-227284229-G-A. GRCh37 (hg19) VCF-style: chr2-228148945-G-A.
Other names: short protein forms G922E.
Identifiers: ClinVar variation 3586065 (VCV003586065.3).
Genomic context (GRCh38, chr2:227,284,229, plus strand): 5'-CTGAAGAATTAAGGACCTGATGTTGTTACTCCTGTCTGTTAGGGAGCCCTGGAATTCCAG[G>A]AGTAAAGGGCCAGAGAGGAACCCCAGGAGCCAAGGGGGAACAAGGAGATAAAGGAAATCC-3'
Protein context (NP_000082.2, residues 912-932): PGQRGSPGIP[Gly922Glu]VKGQRGTPGA